The following is an entry in ClinVar:

NM_006420.3(ARFGEF2):c.2508G>A (p.Thr836=)

Gene: ARFGEF2 (ARF guanine nucleotide exchange factor 2; plus strand). Cytogenetic location: 20q13.13.
Variant type: single nucleotide variant.
Coding change: c.2508G>A on transcript NM_006420.3 (MANE Select); coding-DNA position 2508, G replaced by A.
Protein change: p.Thr836=; no amino-acid change (threonine 836 retained).
Molecular consequence: synonymous variant.
Genome position (GRCh38, 1-based): chr20:48,988,637, G>A. VCF-style: chr20-48988637-G-A. GRCh37 (hg19) VCF-style: chr20-47605174-G-A.
Identifiers: ClinVar variation 705943 (VCV000705943.7), dbSNP rs751064262, ClinGen allele CA9898651.
Genomic context (GRCh38, chr20:48,988,637, plus strand): 5'-AAGCATCTATGAAGAGATAGAAGGCAAGAAAATTGCAATGAAAGAAACAAAAGAGCTAAC[G>A]ATTGCAACCAAATCTACTAAGCAGAGTAAGGTCTAATGGCAAATTATTTCTTTTAGTTCT-3'
Protein context (NP_006411.2, residues 826-846): KIAMKETKEL[Thr836=]IATKSTKQNV

ClinVar aggregate classification (germline): Likely benign. Review status: criteria provided, multiple submitters, no conflicts (2 of 4 stars). 2 submissions from 2 submitters: Likely benign (2). Last evaluated 2026-08-01.

Allele frequency attached by ClinVar (database versions not stated): gnomAD 0.00001; TOPMed 0.00001; gnomAD exomes 0.00003; ExAC 0.00005.
gnomAD v4.1: 21 of 1,613,340 alleles (0.0013%); highest among the groups gnomAD compares: Admixed American, 0.013%; 1 homozygote.

Submissions (2):

CeGaT Center for Human Genetics Tuebingen
Classification: Likely benign. Last evaluated: 2026-08-01. Review status: criteria provided, single submitter. Criteria: CeGaT Center For Human Genetics Tuebingen Variant Classification Criteria Version 2. Collection method: clinical testing. Allele origin: germline. Affected: yes. Observed: 2 variant alleles.
Comment: ARFGEF2: BP4, BP7

Labcorp Genetics (formerly Invitae), Labcorp
Classification: Likely benign. Last evaluated: 2025-10-14. Review status: criteria provided, single submitter. Criteria: Invitae Variant Classification Sherloc (09022015). Collection method: clinical testing. Allele origin: germline.